The following is an entry in ClinVar:

ClinVar aggregate classification (germline): Likely benign (1 of 4 stars; one submission).

Conditions:
Familial hypercholesterolemia. Also called: Familial hypercholesterolaemia. Identifiers: MedGen C0020445, MONDO:0005439.

Submission:

GENinCode PLC
Classification: Likely benign for Familial hypercholesterolemia. Last evaluated: 2025-07-16. Review status: criteria provided, single submitter. Criteria: ACMG Guidelines, 2015. Collection method: clinical testing. Allele origin: germline.
Comment: This is a synonymous (silent) variant that is not predicted to impact splicing and occurs at a nucleotide which is not highly conserved. This variant has been classified as Likely Benign (BP4, BP7).

NM_000384.3(APOB):c.11700C>A (p.Ala3900=)

Gene: APOB (apolipoprotein B; minus strand). Cytogenetic location: 2p24.1.
Variant type: single nucleotide variant.
Coding change: c.11700C>A on transcript NM_000384.3 (MANE Select); coding-DNA position 11700, C replaced by A.
Protein change: p.Ala3900=; no amino-acid change (alanine 3900 retained).
Molecular consequence: synonymous variant.
Genome position (GRCh38, 1-based): chr2:21,005,168, G>T on the plus strand (C>A on the coding strand, the complement: APOB is on the minus strand). VCF-style: chr2-21005168-G-T. GRCh37 (hg19) VCF-style: chr2-21228040-G-T.
Identifiers: ClinVar variation 4077005 (VCV004077005.1).